The following is an entry in ClinVar:

NM_022455.5(NSD1):c.2976T>A (p.Ser992=)

Gene: NSD1 (nuclear receptor binding SET domain protein 1; plus strand). Cytogenetic location: 5q35.3.
Variant type: single nucleotide variant.
Coding change: c.2976T>A on transcript NM_022455.5 (MANE Select); coding-DNA position 2976, T replaced by A.
Protein change: p.Ser992=; no amino-acid change (serine 992 retained).
Molecular consequence: synonymous variant.
Genome position (GRCh38, 1-based): chr5:177,211,375, T>A. VCF-style: chr5-177211375-T-A. GRCh37 (hg19) VCF-style: chr5-176638376-T-A.
Other names: c.2103T>A, p.Ser701= (NM_001365684.2, NM_001409306.1, NM_001409307.1 and 3 more transcripts); c.2976T>A, p.Ser992= (NM_001409301.1, NM_001409302.1, NM_001409303.1); c.2556T>A, p.Ser852= (NM_001409304.1); c.2223T>A, p.Ser741= (NM_001409305.1).
Identifiers: ClinVar variation 1949237 (VCV001949237.6), dbSNP rs571152693, ClinGen allele CA3577350.

ClinVar aggregate classification (germline): Likely benign. Review status: criteria provided, multiple submitters, no conflicts (2 of 4 stars). 2 submissions from 2 submitters: Likely benign (2). Last evaluated 2026-09-01.

Allele frequency attached by ClinVar (database versions not stated): TOPMed 0.00004; gnomAD exomes 0.00005; gnomAD 0.00006; ExAC 0.00013.
gnomAD v4.1: 77 of 1,614,026 alleles (0.0048%); highest among the groups gnomAD compares: Non-Finnish European, 0.0059%; no homozygotes.

Submissions (2):

CeGaT Center for Human Genetics Tuebingen
Classification: Likely benign. Last evaluated: 2026-09-01. Review status: criteria provided, single submitter. Criteria: CeGaT Center For Human Genetics Tuebingen Variant Classification Criteria Version 2. Collection method: clinical testing. Allele origin: germline. Affected: yes. Observed: 1 variant allele.
Comment: NSD1: BP4, BP7

Labcorp Genetics (formerly Invitae), Labcorp
Classification: Likely benign. Last evaluated: 2025-03-17. Review status: criteria provided, single submitter. Criteria: Invitae Variant Classification Sherloc (09022015). Collection method: clinical testing. Allele origin: germline.